The following is an entry in ClinVar:

NM_000540.3(RYR1):c.8616+3G>A

Genes: RYR1 (ryanodine receptor 1; plus strand), LOC126862902 (BRD4-independent group 4 enhancer GRCh37_chr19:38995830-38997029; plus strand). Cytogenetic location: 19q13.2.
Variant type: single nucleotide variant.
Coding change: c.8616+3G>A on transcript NM_000540.3 (MANE Select); 3 bases into the intron after coding-DNA position 8616, G replaced by A.
Molecular consequence: intron variant.
Genome position (GRCh38, 1-based): chr19:38,506,380, G>A. VCF-style: chr19-38506380-G-A. GRCh37 (hg19) VCF-style: chr19-38997020-G-A.
Other names: c.8616+3G>A (NM_001042723.2).
Identifiers: ClinVar variation 3694564 (VCV003694564.1).
Genomic context (GRCh38, chr19:38,506,380, plus strand): 5'-AGGCTACAACCCTCAGCCCCCCGACCTTAGTGCTGTTACCCTGTCCCGGGAGCTGCAGGT[G>A]AGAGCCCTGATCCTTTTGGGGGGACATAGGGTGTCTTTGGGGGGGCTGGCATCCTCTGAA-3'

ClinVar aggregate classification (germline): Uncertain significance (1 of 4 stars; one submission).

Conditions:
RYR1-related disorder. Also called: RYR1-related condition; RYR1-related disorders. Identifiers: MedGen CN239331.

gnomAD v4.1: 5 of 1,613,660 alleles (0.00031%); no homozygotes.

Submission:

Labcorp Genetics (formerly Invitae), Labcorp
Classification: Uncertain significance for RYR1-related disorder. Last evaluated: 2025-01-30. Review status: criteria provided, single submitter. Criteria: Invitae Variant Classification Sherloc (09022015). Collection method: clinical testing. Allele origin: germline.
Comment: This sequence change falls in intron 55 of the RYR1 gene. It does not directly change the encoded amino acid sequence of the RYR1 protein. It affects a nucleotide within the consensus splice site. This variant is present in population databases (rs770827107, gnomAD 0.03%). This variant has not been reported in the literature in individuals affected with RYR1-related conditions. Variants that disrupt the consensus splice site are a relatively common cause of aberrant splicing (PMID: 17576681, 9536098). Algorithms developed to predict the effect of sequence changes on RNA splicing suggest that this variant is not likely to affect RNA splicing. In summary, the available evidence is currently insufficient to determine the role of this variant in disease. Therefore, it has been classified as a Variant of Uncertain Significance.

Literature cited by the submitters: PubMed 17576681; PubMed 9536098.